The following is an entry in ClinVar:

NM_001077350.3(NPRL3):c.14C>A (p.Thr5Asn)

Genes: HBA-LCR (alpha-globin locus control region; plus strand), NPRL3 (NPR3 like, GATOR1 complex subunit; minus strand). Cytogenetic location: 16p13.3.
Variant type: single nucleotide variant.
Coding change: c.14C>A on transcript NM_001077350.3 (MANE Select); coding-DNA position 14, C replaced by A.
Protein change: p.Thr5Asn; replaces threonine 5 with asparagine.
Molecular consequence: missense variant. On other transcripts: 5 prime UTR variant (2).
Genome position (GRCh38, 1-based): chr16:138,254, G>T on the plus strand (C>A on the coding strand, the complement: NPRL3 is on the minus strand). VCF-style: chr16-138254-G-T. GRCh37 (hg19) VCF-style: chr16-188253-G-T.
Other names: c.-319C>A (NM_001039476.3); c.-358C>A (NM_001243247.2); c.14C>A, p.Thr5Asn (NM_001243248.2, NM_001243249.2); short protein forms T5N.
Identifiers: ClinVar variation 945170 (VCV000945170.8), dbSNP rs776554504, ClinGen allele CA393999702.
Genomic context (GRCh38, chr16:138,254, plus strand): 5'-CTGAACAGCAGCTTATTGCCCCTGCTCCCCGAGCTCACCAGAATCACGCTGATGGGGCTG[G>T]TGTTGTCCCGCATCCCGCCGTGGGGCCGGGGCCGGGGGCGGAGGGGGCCAGAGGAGGACG-3'
Protein context (NP_001070818.1, residues 1-15): MRDN[Thr5Asn]SPISVILVSS

ClinVar aggregate classification (germline): Uncertain significance (1 of 4 stars; one submission).

Conditions:
Epilepsy, familial focal, with variable foci 3 (FFEVF3). Identifiers: MedGen C4310708, MONDO:0014925, OMIM 617118.

Submission:

Labcorp Genetics (formerly Invitae), Labcorp
Classification: Uncertain significance for Epilepsy, familial focal, with variable foci 3. Last evaluated: 2019-06-03. Review status: criteria provided, single submitter. Criteria: Invitae Variant Classification Sherloc (09022015). Collection method: clinical testing. Allele origin: germline.
Comment: Algorithms developed to predict the effect of missense changes on protein structure and function are either unavailable or do not agree on the potential impact of this missense change (SIFT: "Deleterious"; PolyPhen-2: "Possibly Damaging"; Align-GVGD: "Class C0"). This variant has not been reported in the literature in individuals with NPRL3-related conditions. This variant is not present in population databases (ExAC no frequency). This sequence change replaces threonine with asparagine at codon 5 of the NPRL3 protein (p.Thr5Asn). The threonine residue is moderately conserved and there is a small physicochemical difference between threonine and asparagine. In summary, the available evidence is currently insufficient to determine the role of this variant in disease. Therefore, it has been classified as a Variant of Uncertain Significance.